The following is an entry in ClinVar:

ClinVar aggregate classification (germline): Uncertain significance (1 of 4 stars; one submission).

gnomAD v4.1: 25 of 1,468,648 alleles (0.0017%); highest among the groups gnomAD compares: Non-Finnish European, 0.0022%; no homozygotes.

Submission:

Labcorp Genetics (formerly Invitae), Labcorp
Classification: Uncertain significance. Last evaluated: 2025-03-16. Review status: criteria provided, single submitter. Criteria: Invitae Variant Classification Sherloc (09022015). Collection method: clinical testing. Allele origin: germline.
Comment: This sequence change replaces alanine, which is neutral and non-polar, with valine, which is neutral and non-polar, at codon 255 of the PDX1 protein (p.Ala255Val). The frequency data for this variant in the population databases is considered unreliable, as metrics indicate poor data quality at this position in the gnomAD database. This variant has not been reported in the literature in individuals affected with PDX1-related conditions. Invitae Evidence Modeling of protein sequence and biophysical properties (such as structural, functional, and spatial information, amino acid conservation, physicochemical variation, residue mobility, and thermodynamic stability) indicates that this missense variant is not expected to disrupt PDX1 protein function with a negative predictive value of 95%. In summary, the available evidence is currently insufficient to determine the role of this variant in disease. Therefore, it has been classified as a Variant of Uncertain Significance.

NM_000209.4(PDX1):c.764C>T (p.Ala255Val)

Gene: PDX1 (pancreatic and duodenal homeobox 1; plus strand). Cytogenetic location: 13q12.2.
Variant type: single nucleotide variant.
Coding change: c.764C>T on transcript NM_000209.4 (MANE Select); coding-DNA position 764, C replaced by T.
Protein change: p.Ala255Val; replaces alanine 255 with valine.
Molecular consequence: missense variant.
Genome position (GRCh38, 1-based): chr13:27,924,613, C>T. VCF-style: chr13-27924613-C-T. GRCh37 (hg19) VCF-style: chr13-28498750-C-T.
Other names: short protein forms A255V.
Identifiers: ClinVar variation 3679895 (VCV003679895.2).